The following is an entry in ClinVar:

ClinVar aggregate classification (germline): Uncertain significance. Review status: criteria provided, multiple submitters, no conflicts (2 of 4 stars). 3 submissions from 3 submitters: Uncertain significance (3). Last evaluated 2025-08-21.

Conditions:
Inborn genetic diseases. Identifiers: MedGen C0950123, MeSH D030342.

gnomAD v4.1: 30 of 1,612,664 alleles (0.0019%); highest among the groups gnomAD compares: Non-Finnish European, 0.0021%; no homozygotes.

Submissions (3):

Ambry Genetics
Classification: Uncertain significance for Inborn genetic diseases. Last evaluated: 2025-08-21. Review status: criteria provided, single submitter. Criteria: Ambry Variant Classification Scheme 2023. Collection method: clinical testing. Allele origin: germline.

Labcorp Genetics (formerly Invitae), Labcorp
Classification: Uncertain significance. Last evaluated: 2024-11-27. Review status: criteria provided, single submitter. Criteria: Invitae Variant Classification Sherloc (09022015). Collection method: clinical testing. Allele origin: germline.
Comment: This sequence change replaces alanine, which is neutral and non-polar, with valine, which is neutral and non-polar, at codon 194 of the EDNRB protein (p.Ala194Val). This variant is present in population databases (rs751513574, gnomAD 0.008%). This variant has not been reported in the literature in individuals affected with EDNRB-related conditions. Invitae Evidence Modeling of protein sequence and biophysical properties (such as structural, functional, and spatial information, amino acid conservation, physicochemical variation, residue mobility, and thermodynamic stability) indicates that this missense variant is not expected to disrupt EDNRB protein function with a negative predictive value of 80%. In summary, the available evidence is currently insufficient to determine the role of this variant in disease. Therefore, it has been classified as a Variant of Uncertain Significance.

GeneDx
Classification: Uncertain significance. Last evaluated: 2024-02-07. Review status: criteria provided, single submitter. Criteria: GeneDx Variant Classification Process June 2021. Collection method: clinical testing. Allele origin: germline. Affected: yes.
Comment: In silico analysis supports that this missense variant has a deleterious effect on protein structure/function; Has not been previously published as pathogenic or benign to our knowledge

NM_001122659.3(EDNRB):c.581C>T (p.Ala194Val)

Genes: EDNRB-AS1 (EDNRB antisense RNA 1; plus strand), EDNRB (endothelin receptor type B; minus strand). Cytogenetic location: 13q22.3.
Variant type: single nucleotide variant.
Coding change: c.581C>T on transcript NM_001122659.3 (MANE Select); coding-DNA position 581, C replaced by T.
Protein change: p.Ala194Val; replaces alanine 194 with valine.
Molecular consequence: missense variant.
Genome position (GRCh38, 1-based): chr13:77,903,510, G>A on the plus strand (C>T on the coding strand, the complement: EDNRB is on the minus strand). VCF-style: chr13-77903510-G-A. GRCh37 (hg19) VCF-style: chr13-78477645-G-A.
Other names: c.851C>T, p.Ala284Val (NM_001201397.2); c.581C>T, p.Ala194Val (NM_003991.4, NM_000115.5); short protein forms A194V, A284V.
Identifiers: ClinVar variation 3368844 (VCV003368844.4).